The following is an entry in ClinVar:

ClinVar aggregate classification (germline): Likely benign. Review status: reviewed by expert panel (3 of 4 stars). 7 submissions from 7 submitters: Likely benign (1). 6 of the submissions do not count toward it. Last evaluated 2017-06-29.

Conditions:
Hereditary breast ovarian cancer syndrome. Also called: Hereditary breast and ovarian cancer syndrome; Hereditary breast and ovarian cancer syndrome (HBOC); BRCA1- and BRCA2-Associated Hereditary Breast and Ovarian Cancer; Breast and ovarian cancer; Hereditary breast and ovarian cancer; Hereditary breast and/or ovarian cancer syndrome. Identifiers: Orphanet 145, MedGen C0677776, MeSH D061325, MONDO:0003582. Disease mechanism: loss of function.
Malignant tumor of breast. Also called: Malignant breast neoplasm; Cancer breast. Identifiers: MedGen C0006142, MONDO:0007254. Disease mechanism: loss of function.
Hereditary cancer-predisposing syndrome. Also called: Hereditary Cancer Syndrome; Hereditary neoplastic syndrome; Tumor predisposition; Neoplastic Syndromes, Hereditary. Identifiers: Orphanet 140162, MedGen C0027672, MeSH D009386, MONDO:0015356.
Breast-ovarian cancer, familial, susceptibility to, 1 (BROVCA1). Also called: OVARIAN CANCER, SUSCEPTIBILITY TO; BRCA1 Hereditary Breast and Ovarian Cancer. Identifiers: Orphanet 145, MedGen C2676676, MONDO:0011450, OMIM 604370. Disease mechanism: loss of function.

Allele frequency attached by ClinVar (database versions not stated): gnomAD 0.00001 and 0.00002; gnomAD exomes 0.00001; TOPMed 0.00001; ExAC 0.00002; 1000 Genomes Project 30x 0.00016; 1000 Genomes Project 0.00020.
gnomAD v4.1: 5 of 1,614,076 alleles (0.00031%); highest among the groups gnomAD compares: East Asian, 0.0045%; no homozygotes.

Submissions (7):

Evidence-based Network for the Interpretation of Germline Mutant Alleles (ENIGMA)
Classification: Likely benign for Breast-ovarian cancer, familial, susceptibility to, 1. Last evaluated: 2017-06-29. Review status: reviewed by expert panel. Criteria: ENIGMA BRCA1/2 Classification Criteria (2017-06-29). Collection method: curation. Allele origin: germline.
Comment: Synonymous substitution variant, with low bioinformatic likelihood to result in a splicing aberration (Splicing prior probability 0.02).

Labcorp Genetics (formerly Invitae), Labcorp
Classification: Likely benign for Hereditary breast ovarian cancer syndrome. Last evaluated: 2026-01-10. Review status: criteria provided, single submitter. Criteria: Invitae Variant Classification Sherloc (09022015). Collection method: clinical testing. Allele origin: germline. Not counted in ClinVar's aggregate classification.

Women's Health and Genetics/Laboratory Corporation of America, LabCorp
Classification: Likely benign. Last evaluated: 2025-09-01. Review status: criteria provided, single submitter. Criteria: LabCorp Variant Classification Summary - May 2015. Collection method: clinical testing. Allele origin: germline. Not counted in ClinVar's aggregate classification.

All of Us Research Program, National Institutes of Health
Classification: Likely benign for Breast-ovarian cancer, familial, susceptibility to, 1. Last evaluated: 2023-05-31. Review status: criteria provided, single submitter. Criteria: ACMG Guidelines, 2015. Collection method: clinical testing. Allele origin: germline. Inheritance: Autosomal dominant inheritance. Observed: 1 variant allele, 1 heterozygote. Not counted in ClinVar's aggregate classification.
Comment: This study involves interpretation of variants in research participants for the purpose of population health screening. Participant phenotype was not available at the time of variant classification. Additional details can be found in publication PMID: 35346344, PMCID: PMC8962531

Color Diagnostics, LLC DBA Color Health
Classification: Likely benign for Hereditary cancer-predisposing syndrome. Last evaluated: 2017-04-17. Review status: criteria provided, single submitter. Criteria: ACMG Guidelines, 2015. Collection method: clinical testing. Allele origin: germline. Not counted in ClinVar's aggregate classification.

Ambry Genetics
Classification: Likely benign for Hereditary cancer-predisposing syndrome. Last evaluated: 2014-06-25. Review status: criteria provided, single submitter. Criteria: Ambry Variant Classification Scheme 2023. Collection method: clinical testing. Allele origin: germline. Not counted in ClinVar's aggregate classification.

Department of Pathology and Laboratory Medicine, Sinai Health System
Classification: Likely benign for Malignant tumor of breast. Review status: no assertion criteria provided. Collection method: clinical testing. Allele origin: unknown. Affected: yes. Study: The Canadian Open Genetics Repository (COGR). Not counted in ClinVar's aggregate classification.
Comment: The p.Glu765Glu variant is not expected to have clinical significance because it does not alter an amino acid residue and is not located near a splice junction. This variant was not identified in the literature and was identified in only one public database: the 1000 genomes project (dbSNP ID:rs201875054), although there was only one observation and so the prevalence of this variant in the general population cannot be determined without further validation. In summary, the clinical significance of this variant cannot be determined with certainty at this time, although we would lean towards a more benign role for this variant. This variant is classified as predicted benign.

NM_007294.4(BRCA1):c.2295G>A (p.Glu765=)

Gene: BRCA1 (BRCA1 DNA repair associated; minus strand). Cytogenetic location: 17q21.31.
Variant type: single nucleotide variant.
Coding change: c.2295G>A on transcript NM_007294.4 (MANE Select); coding-DNA position 2295, G replaced by A.
Protein change: p.Glu765=; no amino-acid change (glutamic acid 765 retained).
Molecular consequence: synonymous variant. On other transcripts: intron variant (137).
Genome position (GRCh38, 1-based): chr17:43,093,236, C>T on the plus strand (G>A on the coding strand, the complement: BRCA1 is on the minus strand). VCF-style: chr17-43093236-C-T. GRCh37 (hg19) VCF-style: chr17-41245253-C-T.
Other names: c.2082G>A, p.Glu694= (NM_001407571.1, NM_001407853.1, NM_001407894.1 and 9 more transcripts); c.2295G>A, p.Glu765= (NM_001407581.1, NM_001407582.1, NM_001407583.1 and 30 more transcripts); c.2292G>A, p.Glu764= (NM_001407587.1, NM_001407590.1, NM_001407591.1 and 22 more transcripts); c.2286G>A, p.Glu762= (NM_001407646.1, NM_001407647.1); c.2172G>A, p.Glu724= (NM_001407648.1, NM_001407680.1, NM_001407664.1 and 19 more transcripts); c.2169G>A, p.Glu723= (NM_001407649.1, NM_001407685.1, NM_001407670.1 and 11 more transcripts); c.2217G>A, p.Glu739= (NM_001407653.1, NM_001407654.1, NM_001407655.1 and 4 more transcripts); c.2214G>A, p.Glu738= (NM_001407659.1, NM_001407660.1, NM_001407661.1 and 1 more transcripts); and 41 more.
Identifiers: ClinVar variation 185582 (VCV000185582.24), dbSNP rs201875054, ClinGen allele CA001527.
Genomic context (GRCh38, chr17:43,093,236, plus strand): 5'-TAACGAGATACTTTCCTGAGTGCCATAATCAGTACCAGGTACCAATGAAATACTGCTACT[C>T]TCTACAGATCTTTCAGTTTGCAAAACCCTTTCTCCACTTAACATGAGATCTTTGGGGTCT-3'
Protein context (NP_009225.1, residues 755-775): ERVLQTERSV[Glu765=]SSSISLVPGT